The following is an entry in ClinVar:

ClinVar aggregate classification (germline): Uncertain significance (1 of 4 stars; one submission).

Submission:

Labcorp Genetics (formerly Invitae), Labcorp
Classification: Uncertain significance. Last evaluated: 2022-09-15. Review status: criteria provided, single submitter. Criteria: Invitae Variant Classification Sherloc (09022015). Collection method: clinical testing. Allele origin: germline.
Comment: In summary, the available evidence is currently insufficient to determine the role of this variant in disease. Therefore, it has been classified as a Variant of Uncertain Significance. This sequence change replaces proline, which is neutral and non-polar, with arginine, which is basic and polar, at codon 744 of the RNF43 protein (p.Pro744Arg). This variant is not present in population databases (gnomAD no frequency). This variant has not been reported in the literature in individuals affected with RNF43-related conditions. Algorithms developed to predict the effect of missense changes on protein structure and function (SIFT, PolyPhen-2, Align-GVGD) all suggest that this variant is likely to be tolerated.

NM_017763.6(RNF43):c.2231C>G (p.Pro744Arg)

Gene: RNF43 (ring finger protein 43; minus strand). Cytogenetic location: 17q22.
Variant type: single nucleotide variant.
Coding change: c.2231C>G on transcript NM_017763.6 (MANE Select); coding-DNA position 2231, C replaced by G.
Protein change: p.Pro744Arg; replaces proline 744 with arginine.
Molecular consequence: missense variant.
Genome position (GRCh38, 1-based): chr17:58,357,545, G>C on the plus strand (C>G on the coding strand, the complement: RNF43 is on the minus strand). VCF-style: chr17-58357545-G-C. GRCh37 (hg19) VCF-style: chr17-56434906-G-C.
Other names: c.2231C>G, p.Pro744Arg (NM_001305544.3); c.1850C>G, p.Pro617Arg (NM_001305545.2); short protein forms P617R, P744R.
Identifiers: ClinVar variation 2419783 (VCV002419783.6), dbSNP rs2143385940, ClinGen allele CA400385695.